The following is an entry in ClinVar:

ClinVar aggregate classification (germline): Uncertain significance (1 of 4 stars; one submission).

gnomAD v4.1: 2 of 1,614,026 alleles (0.00012%); highest among the groups gnomAD compares: Admixed American, 0.0017%; no homozygotes.

Submission:

Labcorp Genetics (formerly Invitae), Labcorp
Classification: Uncertain significance. Last evaluated: 2025-10-01. Review status: criteria provided, single submitter. Criteria: Invitae Variant Classification Sherloc (09022015). Collection method: clinical testing. Allele origin: germline.
Comment: This sequence change replaces cysteine, which is neutral and slightly polar, with serine, which is neutral and polar, at codon 241 of the GJB3 protein (p.Cys241Ser). This variant is present in population databases (no rsID available, gnomAD 0.003%). This variant has not been reported in the literature in individuals affected with GJB3-related conditions. An algorithm developed to predict the effect of missense changes on protein structure and function (PolyPhen-2) suggests that this variant is likely to be tolerated. In summary, the available evidence is currently insufficient to determine the role of this variant in disease. Therefore, it has been classified as a Variant of Uncertain Significance.

NM_024009.3(GJB3):c.722G>C (p.Cys241Ser)

Gene: GJB3 (gap junction protein beta 3; plus strand). Cytogenetic location: 1p34.3.
Variant type: single nucleotide variant.
Coding change: c.722G>C on transcript NM_024009.3 (MANE Select); coding-DNA position 722, G replaced by C.
Protein change: p.Cys241Ser; replaces cysteine 241 with serine.
Molecular consequence: missense variant.
Genome position (GRCh38, 1-based): chr1:34,785,484, G>C. VCF-style: chr1-34785484-G-C. GRCh37 (hg19) VCF-style: chr1-35251085-G-C.
Other names: c.722G>C, p.Cys241Ser (NM_001005752.2); short protein forms C241S.
Identifiers: ClinVar variation 4739032 (VCV004739032.1).
Genomic context (GRCh38, chr1:34,785,484, plus strand): 5'-ACAAGCCTCGAGGGGGTTGCAGCCCCTCGTCCTCCGCCAGCCGAGCTTCCACCTGCCGCT[G>C]CCACCACAAGCTGGTGGAGGCTGGGGAGGTGGATCCAGACCCAGGCAATAACAAGCTGCA-3'
Protein context (NP_076872.1, residues 231-251): SSASRASTCR[Cys241Ser]HHKLVEAGEV